The following is an entry in ClinVar:

NM_000384.3(APOB):c.7724_7729delinsTACGTC (p.Lys2575_Met2577delinsIleArgLeu)

Gene: APOB (apolipoprotein B; minus strand). Cytogenetic location: 2p24.1.
Variant type: Indel.
Coding change: c.7724_7729delinsTACGTC on transcript NM_000384.3 (MANE Select); coding-DNA positions 7724 to 7729, AACGTA replaced by TACGTC.
Protein change: p.Lys2575_Met2577delinsIleArgLeu.
Molecular consequence: missense variant.
Genome position (GRCh38, 1-based): chr2:21,009,139-21,009,144, TACGTT replaced by GACGTA on the plus strand (AACGTA replaced by TACGTC on the coding strand, the reverse complement: APOB is on the minus strand). VCF-style: chr2-21009139-TACGTT-GACGTA. GRCh37 (hg19) VCF-style: chr2-21232011-TACGTT-GACGTA.
Other names: c.7724_7729delAACGTAinsTACGTC (NM_000384.2).
Identifiers: ClinVar variation 1195056 (VCV001195056.6), dbSNP rs2103355216, ClinGen allele CA2499215582.

ClinVar aggregate classification (germline): Uncertain significance (1 of 4 stars; one submission).

Submission:

GeneDx
Classification: Uncertain significance. Last evaluated: 2024-12-19. Review status: criteria provided, single submitter. Criteria: GeneDx Variant Classification Process June 2021. Collection method: clinical testing. Allele origin: germline. Affected: yes.
Comment: In silico analysis supports a deleterious effect on protein structure/function; Has not been previously published as pathogenic or benign to our knowledge; Also known as p.(K2548_M2550delinsIRL); In-frame deletion of 3 amino acid(s) and insertion of 3 different amino acid(s) in a non-repeat region